The following is an entry in ClinVar:

NM_001267550.2(TTN):c.40866A>T (p.Gly13622=)

Gene: TTN (titin; minus strand). Cytogenetic location: 2q31.2.
Variant type: single nucleotide variant.
Coding change: c.40866A>T on transcript NM_001267550.2 (MANE Select); coding-DNA position 40866, A replaced by T.
Protein change: p.Gly13622=; no amino-acid change (glycine 13622 retained).
Molecular consequence: synonymous variant.
Genome position (GRCh38, 1-based): chr2:178,639,709, T>A on the plus strand (A>T on the coding strand, the complement: TTN is on the minus strand). VCF-style: chr2-178639709-T-A. GRCh37 (hg19) VCF-style: chr2-179504436-T-A.
Other names: c.14247A>T, p.Gly4749= (NM_133437.4); c.35943A>T, p.Gly11981= (NM_001256850.1); c.13671A>T, p.Gly4557= (NM_003319.4); c.33162A>T, p.Gly11054= (NM_133378.4); c.14046A>T, p.Gly4682= (NM_133432.3).
Identifiers: ClinVar variation 2566376 (VCV002566376.5), dbSNP rs578056698, ClinGen allele CA1996365.
Genomic context (GRCh38, chr2:178,639,709, plus strand): 5'-TATTAAGTCACCAAAACAAACTAGCAAAAAGAAAGCTACAGGATAAATACCTGCTTTCTT[T>A]CCAACCACTGGCACTGTTACTGGGGCAGCGATGGGGGTTGGTTCAGGTTCCACAGGAGGT-3'
Protein context (NP_001254479.2, residues 13612-13632): IAAPVTVPVV[Gly13622=]KKAEAKAPKE

ClinVar aggregate classification (germline): Uncertain significance. Review status: criteria provided, multiple submitters, no conflicts (2 of 4 stars). 2 submissions from 2 submitters: Uncertain significance (2). Last evaluated 2025-12-05.

Conditions:
Cardiovascular phenotype. Identifiers: MedGen CN230736.

Allele frequency attached by ClinVar (database versions not stated): gnomAD 0.00003; 1000 Genomes Project 30x 0.00031; ExAC 0.00001; gnomAD exomes below 0.00001; TOPMed 0.00002; 1000 Genomes Project 0.00020.
gnomAD v4.1: 5 of 1,611,618 alleles (0.00031%); highest among the groups gnomAD compares: African/African-American, 0.0067%; no homozygotes.

Submissions (2):

Ambry Genetics
Classification: Uncertain significance for Cardiovascular phenotype. Last evaluated: 2025-12-05. Review status: criteria provided, single submitter. Criteria: Ambry Variant Classification Scheme 2023. Collection method: clinical testing. Allele origin: germline.
Comment: The c.13671A>T variant (also known as p.G4557G), located in coding exon 50 of the TTN gene, results from an A to T substitution at nucleotide position 13671. This nucleotide substitution does not change the amino acid at codon 4557. This nucleotide position is well conserved in available vertebrate species. In silico splice site analysis predicts that this alteration will result in the creation or strengthening of a novel splice donor site. Since supporting evidence is limited at this time, the clinical significance of this alteration remains unclear.

GeneDx
Classification: Uncertain significance. Last evaluated: 2025-02-21. Review status: criteria provided, single submitter. Criteria: GeneDx Variant Classification Process June 2021. Collection method: clinical testing. Allele origin: germline. Affected: yes.
Comment: Has not been previously reported as pathogenic or benign in association with TTN-related disorders to our knowledge; In silico analysis supports a deleterious effect on splicing; Located in a specific region of the I-band within TTN for which truncating variants are significantly associated with autosomal dominant cardiomyopathy and also with autosomal recessive skeletal myopathies (PMID: 27625338, 27869827, 32778822); Not observed at significant frequency in large population cohorts (gnomAD); This variant is associated with the following publications: (PMID: 35304488)

Literature cited by the submitters: PubMed 35304488 (cited by Ambry Genetics).